The following is an entry in ClinVar:

ClinVar aggregate classification (germline): Conflicting classifications of pathogenicity. Review status: criteria provided, conflicting classifications (1 of 4 stars). 5 submissions from 5 submitters: Uncertain significance (2); Likely benign (2). 1 of the submissions does not count toward it. Last evaluated 2025-12-13.

Conditions:
POLG-related disorder. Also called: POLG-related condition; POLG-Related Disorders; POLG-Related Spectrum Disorders. Identifiers: MedGen C4763519.
Inborn genetic diseases. Identifiers: MedGen C0950123, MeSH D030342.
Hereditary spastic paraplegia. Also called: Familial spastic paraparesis. Identifiers: Orphanet 685, MedGen C0037773, MONDO:0019064. Disease mechanism: loss of function.
Progressive sclerosing poliodystrophy (MTDPS4A). Also called: Alpers-Huttenlocher Syndrome (AHS); ALPERS PROGRESSIVE INFANTILE POLIODYSTROPHY; Mitochondrial DNA Depletion Syndrome 4A; Mitochondrial DNA depletion syndrome 4A (Alpers type); NEURONAL DEGENERATION OF CHILDHOOD WITH LIVER DISEASE, PROGRESSIVE; Alpers Syndrome. Identifiers: Orphanet 726, MedGen C0205710, MONDO:0008758, OMIM 203700.

Allele frequency attached by ClinVar (database versions not stated): gnomAD exomes below 0.00001; gnomAD 0.00001; ExAC 0.00002.
gnomAD v4.1: 8 of 1,577,896 alleles (0.00051%); highest among the groups gnomAD compares: African/African-American, 0.0068%; no homozygotes.

Submissions (5):

Labcorp Genetics (formerly Invitae), Labcorp
Classification: Likely benign for Progressive sclerosing poliodystrophy. Last evaluated: 2025-12-13. Review status: criteria provided, single submitter. Criteria: Invitae Variant Classification Sherloc (09022015). Collection method: clinical testing. Allele origin: germline.

Genome Diagnostics Laboratory, The Hospital for Sick Children
Classification: Uncertain significance for Hereditary spastic paraplegia. Last evaluated: 2021-06-16. Review status: criteria provided, single submitter. Criteria: ACMG Guidelines, 2015. Collection method: clinical testing. Allele origin: germline. Affected: yes.

Ambry Genetics
Classification: Likely benign for Inborn genetic diseases. Last evaluated: 2019-10-23. Review status: criteria provided, single submitter. Criteria: Ambry Variant Classification Scheme 2023. Collection method: clinical testing. Allele origin: germline.

Eurofins Ntd Llc (ga)
Classification: Uncertain significance. Last evaluated: 2017-01-24. Review status: criteria provided, single submitter. Criteria: EGL Classification Definitions 2015. Collection method: clinical testing. Allele origin: germline. Observed: 1 variant allele, 1 heterozygote.

PreventionGenetics, part of Exact Sciences
Classification: Likely benign for POLG-related condition. Last evaluated: 2021-04-01. Review status: no assertion criteria provided. Collection method: clinical testing. Allele origin: germline. Not counted in ClinVar's aggregate classification.
Comment: This variant is classified as likely benign based on ACMG/AMP sequence variant interpretation guidelines (Richards et al. 2015 PMID: 25741868, with internal and published modifications).

NM_002693.3(POLG):c.522C>G (p.Gly174=)

Genes: POLG (DNA polymerase gamma, catalytic subunit; minus strand), POLGARF (POLG alternative reading frame; minus strand). Cytogenetic location: 15q26.1.
Variant type: single nucleotide variant.
Coding change: c.522C>G on transcript NM_002693.3 (MANE Select); coding-DNA position 522, C replaced by G.
Protein change: p.Gly174=; no amino-acid change (glycine 174 retained).
Molecular consequence: synonymous variant.
Genome position (GRCh38, 1-based): chr15:89,333,233, G>C on the plus strand (C>G on the coding strand, the complement: POLG is on the minus strand). VCF-style: chr15-89333233-G-C. GRCh37 (hg19) VCF-style: chr15-89876464-G-C.
Other names: c.522C>G, p.Gly174= (NM_001126131.2).
Identifiers: ClinVar variation 499724 (VCV000499724.16), dbSNP rs766842881, ClinGen allele CA7725103.